The following is an entry in ClinVar:

NM_022089.4(ATP13A2):c.3057del (p.Tyr1020fs)

Gene: ATP13A2 (ATPase cation transporting 13A2; minus strand). Cytogenetic location: 1p36.13.
Variant type: Deletion.
Coding change: c.3057del on transcript NM_022089.4 (MANE Select); coding-DNA position 3057, one base deleted (C; older notation c.3057delC).
Protein change: p.Tyr1020fs; shifts the reading frame from tyrosine 1020.
Molecular consequence: frameshift variant.
Genome position (GRCh38, 1-based): chr1:16,987,072, G deleted on the plus strand (C on the coding strand, the reverse complement: ATP13A2 is on the minus strand). VCF-style (leftmost placement, unchanged base first): chr1-16987071-AG-A. GRCh37 (hg19) VCF-style: chr1-17313566-AG-A.
Other names: p.Tyr1020Thrfs*3; c.3057del (NM_022089.3); c.3057delC (NM_022089.2); c.3042del, p.Tyr1015fs (NM_001141973.3); c.2925del, p.Tyr976fs (NM_001141974.3); short protein forms Y1020fs, Y976fs, Y1015fs.
Identifiers: ClinVar variation 465253 (VCV000465253.29), dbSNP rs765632065, ClinGen allele CA636632.

ClinVar aggregate classification (germline): Pathogenic/Likely pathogenic. Review status: criteria provided, multiple submitters, no conflicts (2 of 4 stars). 14 submissions from 13 submitters: Pathogenic (11); Likely pathogenic (1). 2 of the submissions do not count toward it. Last evaluated 2026-08-01.

Conditions:
ATP13A2-related disorder. Also called: ATP13A2-related disorders; ATP13A2-related condition.
Autosomal recessive spastic paraplegia type 78. Identifiers: Orphanet 513436, MedGen C5567893, MONDO:0014975, OMIM 617225.
Inborn genetic diseases. Identifiers: MedGen C0950123, MeSH D030342.
Kufor-Rakeb syndrome (KRS). Also called: PARKINSON DISEASE 9, AUTOSOMAL RECESSIVE, JUVENILE-ONSET. Identifiers: Orphanet 306674, Orphanet 314632, MedGen C1847640, MONDO:0011706, OMIM 606693.
Neurodegeneration with brain iron accumulation (NBIA). Identifiers: Orphanet 385, MedGen C2931845, MONDO:0018307.

Allele frequency attached by ClinVar (database versions not stated): gnomAD exomes 0.00006 and 0.00014; gnomAD 0.00007; ExAC 0.00013; TOPMed 0.00013.

Submissions 1 to 11 of 14:

CeGaT Center for Human Genetics Tuebingen
Classification: Pathogenic. Last evaluated: 2026-08-01. Review status: criteria provided, single submitter. Criteria: CeGaT Center For Human Genetics Tuebingen Variant Classification Criteria Version 2. Collection method: clinical testing. Allele origin: germline. Affected: yes. Observed: 1 variant allele.
Comment: ATP13A2: PVS1, PM3:Strong, PM2

Labcorp Genetics (formerly Invitae), Labcorp
Classification: Pathogenic for Kufor-Rakeb syndrome; Autosomal recessive spastic paraplegia type 78. Last evaluated: 2026-01-27. Review status: criteria provided, single submitter. Criteria: Invitae Variant Classification Sherloc (09022015). Collection method: clinical testing. Allele origin: germline.
Comment: This sequence change creates a premature translational stop signal (p.Tyr1020Thrfs*3) in the ATP13A2 gene. It is expected to result in an absent or disrupted protein product. Loss-of-function variants in ATP13A2 are known to be pathogenic (PMID: 16964263, 21696388). This variant is present in population databases (rs765632065, gnomAD 0.3%). This premature translational stop signal has been observed in individual(s) with Kufor-Rakeb syndrome (KRS) (PMID: 16964263). It has also been observed to segregate with disease in related individuals. ClinVar contains an entry for this variant (Variation ID: 465253). For these reasons, this variant has been classified as Pathogenic.

Variantyx, Inc.
Classification: Pathogenic for Autosomal recessive spastic paraplegia type 78. Last evaluated: 2025-09-15. Review status: criteria provided, single submitter. Criteria: Variantyx Assertion Criteria 2022. Collection method: clinical testing. Allele origin: germline. Inheritance: Autosomal recessive inheritance.
Comment: This is a frameshift variant in the ATP13A2 gene (OMIM: 610513). Pathogenic variants in this gene have been associated with autosomal recessive ATP13A2-related disorders, including spastic paraplegia 78. This variant introduces a premature termination codon in exon 26 out of 29. It is expected to result in loss of function, which is a known disease mechanism for ATP13A2 in this disorder (PMID: 16964263, 21696388, 28137957) (PVS1). This variant has been identified in compound heterozygous state in at least 2 individual(s) affected with Kufor-Rakeb syndrome that are reported in the published literature (PMID: 16964263, 29966207) (PM3). This variant has been observed to segregate with disease in at least 4 individuals from 2 families (PMID: 16964263, 29966207) (PP1). This variant has a 0.0183% maximum allele frequency in non-founder control populations (PM2). Based on the current evidence, this variant is classified as pathogenic for autosomal recessive ATP13A2-related disorders.

Mayo Clinic Laboratories, Mayo Clinic
Classification: Pathogenic. Last evaluated: 2025-06-10. Review status: criteria provided, single submitter. Criteria: ACMG Guidelines, 2015. Collection method: clinical testing. Allele origin: germline. Observed: 2 variant alleles.
Comment: PM2_moderate, PS3, PS4_moderate, PVS1

PreventionGenetics, part of Exact Sciences
Classification: Pathogenic for ATP13A2-related condition. Last evaluated: 2025-04-15. Review status: criteria provided, single submitter. Criteria: ACMG Guidelines, 2015. Collection method: clinical testing. Allele origin: germline.
Comment: The ATP13A2 c.3057delC variant is predicted to result in a frameshift and premature protein termination (p.Tyr1020Thrfs*3). This variant has been reported in the compound heterozygous state in multiple individuals with Kufor-Rakeb syndrome (see for examples, Ramirez et al. 2006. PubMed ID: 16964263; Inzelberg et al. 2018. PubMed ID: 29966207; Miranda et al. 2020. PubMed ID: 33049588). This variant is reported in 0.26% of alleles in individuals of Ashkenazi Jewish descent in gnomAD. In vitro experimental studies suggest this variant causes cytotoxicity and sensitize cells to increased ER stress-induced cell death (Ugolino et al. 2011. PubMed ID: 21665991; Tan et al. 2011. PubMed ID: 21724849). Frameshift variants in ATP13A2 are expected to be pathogenic. This variant is interpreted as pathogenic.

Fulgent Genetics
Classification: Pathogenic for Kufor-Rakeb syndrome; Autosomal recessive spastic paraplegia type 78. Last evaluated: 2024-05-08. Review status: criteria provided, single submitter. Criteria: ACMG Guidelines, 2015. Collection method: clinical testing. Allele origin: germline.

GeneDx
Classification: Pathogenic. Last evaluated: 2022-12-14. Review status: criteria provided, single submitter. Criteria: GeneDx Variant Classification Process June 2021. Collection method: clinical testing. Allele origin: germline. Affected: yes.
Comment: Reported previously in association with Kufor-Rakeb syndrome in a family where affected individuals were compound heterozygous for the c.3057delC variant and another variant (Ramirez et al., 2006); Published functional studies suggest that c.3057delC has lower steady-state levels of expression compared with wild-type (Tan et al., 2011); Frameshift variant predicted to result in protein truncation or nonsense mediated decay in a gene for which loss-of-function is a known mechanism of disease; This variant is associated with the following publications: (PMID: 21696388, 21665991, 21724849, 22296644, 16964263, 29966207, 31692161, 31980526, 35180557)

Baylor Genetics
Classification: Pathogenic for Autosomal recessive spastic paraplegia type 78. Last evaluated: 2022-06-30. Review status: criteria provided, single submitter. Criteria: ACMG Guidelines, 2015. Collection method: clinical testing. Allele origin: unknown.

Women's Health and Genetics/Laboratory Corporation of America, LabCorp
Classification: Pathogenic for Neurodegeneration with brain iron accumulation. Last evaluated: 2022-02-21. Review status: criteria provided, single submitter. Criteria: LabCorp Variant Classification Summary - May 2015. Collection method: clinical testing. Allele origin: germline.
Comment: Variant summary: ATP13A2 c.3057delC (p.Tyr1020ThrfsX3) results in a premature termination codon, predicted to cause a truncation of the encoded protein or absence of the protein due to nonsense mediated decay, which are commonly known mechanisms for disease. The variant allele was found at a frequency of 0.00014 in 248620 control chromosomes. This frequency is not significantly higher than estimated for a pathogenic variant in ATP13A2 causing Neurodegeneration With Brain Iron Accumulation/Kufor-Rakeb syndrome (0.00014 vs 0.00019), allowing no conclusion about variant significance. c.3057delC has been reported in the literature in multiple individuals affected with Neurodegeneration associated with Kufor-Rakeb syndrome (example, Ramirez_2006, Inzelberg_2018). These data indicate that the variant is very likely to be associated with disease. At least one publication reports experimental evidence evaluating an impact on protein function demonstrating that this mutant is unstable and localizes in the endoplasmic reticulum (ER), does not reach the lysosome, is cytotoxic and hypersensitizes cells to ER-stress induced cell-death (example, Ugolio_2011). Five clinical diagnostic laboratories have submitted clinical-significance assessments for this variant to ClinVar after 2014 without evidence for independent evaluation. All laboratories classified the variant as pathogenic/likely pathogenic. Based on the evidence outlined above, the variant was classified as pathogenic.

Ambry Genetics
Classification: Pathogenic for Inborn genetic diseases. Last evaluated: 2021-09-09. Review status: criteria provided, single submitter. Criteria: Ambry Variant Classification Scheme 2023. Collection method: clinical testing. Allele origin: germline.
Comment: The c.3057delC (p.Y1020Tfs*3) alteration, located in exon 26 (coding exon 26) of the ATP13A2 gene, consists of a deletion of one nucleotide at position 3057, causing a translational frameshift with a predicted alternate stop codon after 3 amino acids. This alteration is expected to result in loss of function by premature protein truncation or nonsense-mediated mRNA decay. This alteration has been reported in trans with a second ATP13A2 alteration in patients with features of Kufor-Rakeb syndrome, including early-onset Parkinson's disease, and has been shown to segregate with disease in multiple families (Ramirez, 2006; Behrens, 2010; Br&uuml;ggemann, 2010; Inzelberg, 2018). Functional studies in patient-derived cells suggest this alteration results in loss of function due to impaired localization and degradation in the ER (Ramirez, 2006; Tan, 2011; Ugolino, 2011; Podhajska, 2012). Based on the available evidence, this alteration is classified as pathogenic.

Undiagnosed Diseases Network, NIH
Classification: Pathogenic for Kufor-Rakeb syndrome. Last evaluated: 2020-01-07. Review status: criteria provided, single submitter. Criteria: ACMG Guidelines, 2015. Collection method: clinical testing. Allele origin: maternal. Inheritance: Autosomal recessive inheritance. Affected: yes. Observed: 1 variant allele, 1 compound heterozygote. Study: Undiagnosed Diseases Network (NIH), UDN.
Comment: The c.3057delC variant has been previously reported as disease-causing in PMIDs 22296644, 21724849, 29966207, 16964263, 21665991.